The following is an entry in ClinVar:

NM_005902.4(SMAD3):c.401-6G>C

Gene: SMAD3 (SMAD family member 3; plus strand). Cytogenetic location: 15q22.33.
Variant type: single nucleotide variant.
Coding change: c.401-6G>C on transcript NM_005902.4 (MANE Select); 6 bases into the intron before coding-DNA position 401, G replaced by C.
Molecular consequence: intron variant.
Genome position (GRCh38, 1-based): chr15:67,165,247, G>C. VCF-style: chr15-67165247-G-C. GRCh37 (hg19) VCF-style: chr15-67457585-G-C.
Other names: c.401-6G>C (NM_001407011.1, NM_001407013.1); c.400+159G>C (NM_001407012.1); c.254-6G>C (NM_001407014.1); c.86-6G>C (NM_001145102.2, NM_001407016.1); c.85+159G>C (NM_001407015.1); c.269-6G>C (NM_001145103.2).
Identifiers: ClinVar variation 3070232 (VCV003070232.2), dbSNP rs745672741, ClinGen allele CA062207.
Genomic context (GRCh38, chr15:67,165,247, plus strand): 5'-TGCGGGGACTTTGGTGCTGGTCTGGCATCGACACTGAGCCACCTCTGCTCTGTCTCCCCC[G>C]GACAGTTCTACCTCCTGTGTTGGTGCCACGCCACACAGAGATCCCGGCCGAGTTCCCCCC-3'

ClinVar aggregate classification (germline): Conflicting classifications of pathogenicity. Review status: criteria provided, conflicting classifications (1 of 4 stars). 2 submissions from 2 submitters: Uncertain significance (1); Likely benign (1). Last evaluated 2025-09-29.

Conditions:
Aneurysm-osteoarthritis syndrome. Also called: ANEURYSMS-OSTEOARTHRITIS SYNDROME; LOEYS-DIETZ SYNDROME WITH OSTEOARTHRITIS; Loeys-Dietz syndrome, type 1C; SMAD3-Related Loeys-Dietz Syndrome. Identifiers: Orphanet 284984, MedGen C3151087, MONDO:0013426, OMIM 613795.
Familial thoracic aortic aneurysm and aortic dissection (TAAD). Also called: Thoracic aortic aneurysms and dissections. Identifiers: Orphanet 91387, MedGen C4707243, MONDO:0019625.

Allele frequency attached by ClinVar (database versions not stated): gnomAD exomes below 0.00001; ExAC 0.00001.
gnomAD v4.1: 6 of 1,614,164 alleles (0.00037%); highest among the groups gnomAD compares: Non-Finnish European, 0.00051%; no homozygotes.

Submissions (2):

Labcorp Genetics (formerly Invitae), Labcorp
Classification: Likely benign for Familial thoracic aortic aneurysm and aortic dissection. Last evaluated: 2025-09-29. Review status: criteria provided, single submitter. Criteria: Invitae Variant Classification Sherloc (09022015). Collection method: clinical testing. Allele origin: germline.

All of Us Research Program, National Institutes of Health
Classification: Uncertain significance for Aneurysm-osteoarthritis syndrome. Last evaluated: 2023-04-03. Review status: criteria provided, single submitter. Criteria: ACMG Guidelines, 2015. Collection method: clinical testing. Allele origin: germline. Inheritance: Autosomal dominant inheritance. Observed: 1 variant allele, 1 heterozygote.
Comment: This variant causes a G to C nucleotide substitution at the -6 position of intron 2 of the SMAD3 gene. To our knowledge, functional studies have not been reported for this variant. This variant has not been reported in individuals affected with SMAD3-related disorders in the literature. This variant has not been identified in the general population by the Genome Aggregation Database (gnomAD). The available evidence is insufficient to determine the role of this variant in disease conclusively. Therefore, this variant is classified as a Variant of Uncertain Significance.

This study involves interpretation of variants in research participants for the purpose of population health screening. Participant phenotype was not available at the time of variant classification. Additional details can be found in publication PMID: 35346344, PMCID: PMC8962531